The following is an entry in ClinVar:

NM_000218.3(KCNQ1):c.1455C>T (p.Phe485=)

Genes: KCNQ1 (potassium voltage-gated channel subfamily Q member 1; plus strand), KCNQ1OT1 (KCNQ1 opposite strand/antisense transcript 1; minus strand). Cytogenetic location: 11p15.5.
Variant type: single nucleotide variant.
Coding change: c.1455C>T on transcript NM_000218.3 (MANE Select); coding-DNA position 1455, C replaced by T.
Protein change: p.Phe485=; no amino-acid change (phenylalanine 485 retained).
Molecular consequence: synonymous variant.
Genome position (GRCh38, 1-based): chr11:2,662,022, C>T. VCF-style: chr11-2662022-C-T. GRCh37 (hg19) VCF-style: chr11-2683252-C-T.
Other names: p.Phe485=; c.1359C>T, p.Phe453= (NM_001406836.1); c.1185C>T, p.Phe395= (NM_001406837.1); c.915C>T, p.Phe305= (NM_001406838.1); c.1074C>T, p.Phe358= (NM_181798.2).
Identifiers: ClinVar variation 42486 (VCV000042486.46), dbSNP rs17215465, ClinGen allele CA005779.

ClinVar aggregate classification (germline): Benign/Likely benign. Review status: criteria provided, multiple submitters, no conflicts (2 of 4 stars). 17 submissions from 14 submitters: Benign (13); Likely benign (2). 2 of the submissions do not count toward it. Last evaluated 2026-02-03.

Conditions:
Cardiac arrhythmia. Also called: Arrhythmia; Cardiac rhythm disease. Identifiers: MedGen C0003811, MONDO:0007263, HP:0011675.
Jervell and Lange-Nielsen syndrome 1 (JLNS1). Also called: CARDIOAUDITORY SYNDROME OF JERVELL AND LANGE-NIELSEN; DEAFNESS, CONGENITAL, AND FUNCTIONAL HEART DISEASE; PROLONGED QT INTERVAL IN EKG AND SUDDEN DEATH; SURDO-CARDIAC SYNDROME. Identifiers: Orphanet 768, Orphanet 90647, MedGen C4551509, MONDO:0024540, OMIM 220400.
Cardiovascular phenotype. Identifiers: MedGen CN230736.
Long QT syndrome (LQTS). Identifiers: MedGen C0023976, MeSH D008133, MONDO:0002442. Disease mechanism: loss of function. Inheritance: Various modes of inheritance.
Atrial fibrillation, familial, 3 (ATFB3). Identifiers: MedGen C1837014, MONDO:0011857, OMIM 607554.
Short QT syndrome type 2. Identifiers: Orphanet 51083, MedGen C1865019, MONDO:0012313, OMIM 609621.
Long QT syndrome 1 (LQT1). Identifiers: Orphanet 101016, Orphanet 768, MedGen C4551647, MONDO:0100316, OMIM 192500, MONDO:0008646.

Allele frequency attached by ClinVar (database versions not stated): ExAC 0.00607; gnomAD 0.01460 and 0.01545; 1000 Genomes Project 0.01558; TOPMed 0.01664; ESP Exome Variant Server 0.01677; 1000 Genomes Project 30x 0.01718; gnomAD exomes 0.00252 and 0.00521.
gnomAD v4.1: 5,988 of 1,614,202 alleles (0.37%); highest among the groups gnomAD compares: African/African-American, 4.9%; 125 homozygotes.

Submissions (17):

Labcorp Genetics (formerly Invitae), Labcorp
Classification: Benign for Long QT syndrome. Last evaluated: 2026-02-03. Review status: criteria provided, single submitter. Criteria: Invitae Variant Classification Sherloc (09022015). Collection method: clinical testing. Allele origin: germline.

Molecular Diagnostic Laboratory for Inherited Cardiovascular Disease, Montreal Heart Institute
Classification: Benign. Last evaluated: 2025-04-09. Review status: criteria provided, single submitter. Criteria: ACMG Guidelines, 2015. Collection method: clinical testing. Allele origin: germline. Affected: no.

ARUP Laboratories, Molecular Genetics and Genomics, ARUP Laboratories
Classification: Benign. Last evaluated: 2024-06-21. Review status: criteria provided, single submitter. Criteria: ARUP Molecular Germline Variant Investigation Process 2024. Collection method: clinical testing. Allele origin: germline.

All of Us Research Program, National Institutes of Health
Classification: Benign for Long QT syndrome. Last evaluated: 2024-02-05. Review status: criteria provided, single submitter. Criteria: ACMG Guidelines, 2015. Collection method: clinical testing. Allele origin: germline. Inheritance: Autosomal dominant inheritance. Observed: 998 variant alleles, 971 heterozygotes, 27 homozygotes.
Comment: This study involves interpretation of variants in research participants for the purpose of population health screening. Participant phenotype was not available at the time of variant classification. Additional details can be found in publication PMID: 35346344, PMCID: PMC8962531

Color Diagnostics, LLC DBA Color Health
Classification: Benign for Arrhythmia. Last evaluated: 2018-03-16. Review status: criteria provided, single submitter. Criteria: ACMG Guidelines, 2015. Collection method: clinical testing. Allele origin: germline.

Illumina Laboratory Services, Illumina
Classification: Benign for Long QT syndrome 1. Last evaluated: 2018-01-12. Review status: criteria provided, single submitter. Criteria: ICSL Variant Classification Criteria 13 December 2019. Collection method: clinical testing. Allele origin: germline.
Comment: This variant was observed in the ICSL laboratory as part of a predisposition screen in an ostensibly healthy population. It had not been previously curated by ICSL or reported in the Human Gene Mutation Database (HGMD: prior to June 1st, 2018), and was therefore a candidate for classification through an automated scoring system. Utilizing variant allele frequency, disease prevalence and penetrance estimates, and inheritance mode, an automated score was calculated to assess if this variant is too frequent to cause the disease. Based on the score and internal cut-off values, a variant classified as benign is not then subjected to further curation. The score for this variant resulted in a classification of benign for this disease.

Illumina Laboratory Services, Illumina
Classification: Likely benign for Atrial fibrillation, familial, 3. Last evaluated: 2018-01-12. Review status: criteria provided, single submitter. Criteria: ICSL Variant Classification Criteria 13 December 2019. Collection method: clinical testing. Allele origin: germline.
Comment: This variant was observed in the ICSL laboratory as part of a predisposition screen in an ostensibly healthy population. It had not been previously curated by ICSL or reported in the Human Gene Mutation Database (HGMD: prior to June 1st, 2018), and was therefore a candidate for classification through an automated scoring system. Utilizing variant allele frequency, disease prevalence and penetrance estimates, and inheritance mode, an automated score was calculated to assess if this variant is too frequent to cause the disease. Based on the score and internal cut-off values, a variant classified as likely benign is not then subjected to further curation. The score for this variant resulted in a classification of likely benign for this disease.

Illumina Laboratory Services, Illumina
Classification: Benign for Short QT syndrome type 2. Last evaluated: 2018-01-12. Review status: criteria provided, single submitter. Criteria: ICSL Variant Classification Criteria 13 December 2019. Collection method: clinical testing. Allele origin: germline.
Comment: the same text as in the submission from Illumina Laboratory Services, Illumina above.

Illumina Laboratory Services, Illumina
Classification: Benign for Jervell and Lange-Nielsen syndrome 1. Last evaluated: 2018-01-12. Review status: criteria provided, single submitter. Criteria: ICSL Variant Classification Criteria 13 December 2019. Collection method: clinical testing. Allele origin: germline.
Comment: the same text as in the submission from Illumina Laboratory Services, Illumina above.

Women's Health and Genetics/Laboratory Corporation of America, LabCorp
Classification: Benign. Last evaluated: 2016-09-06. Review status: criteria provided, single submitter. Criteria: LabCorp Variant Classification Summary - May 2015. Collection method: clinical testing. Allele origin: germline.
Comment: Variant summary: The KCNQ1 c.1455C>T (p.Phe485Phe) variant involves the alteration of a non-conserved nucleotide, resulting in a synonymous change. One in silico tool predicts a polymorphism outcome for this variant. 5/5 splice prediction tools predict no significant impact on normal splicing. However, these predictions have yet to be confirmed by functional studies. This variant was found in 737/121388 control chromosomes (15 homozygotes), predominantly observed in the African subpopulation at a frequency of 0.0483468 (503/10404). This frequency is about 483 times the estimated maximal expected allele frequency of a pathogenic KCNQ1 variant (0.0001), indicating this is a benign polymorphism found primarily in the populations of African origin. In addition, one clinical diagnostic laboratory as well as publications classified this variant as benign. Taken together, this variant is classified as benign.

Ambry Genetics
Classification: Benign for Cardiovascular phenotype. Last evaluated: 2015-08-13. Review status: criteria provided, single submitter. Criteria: Ambry Variant Classification Scheme 2023. Collection method: clinical testing. Allele origin: germline.

Mayo Clinic Laboratories, Mayo Clinic
Classification: Benign. Last evaluated: 2015-07-31. Review status: criteria provided, single submitter. Criteria: ACMG Guidelines, 2015. Collection method: clinical testing. Allele origin: germline. Observed: 15 variant alleles.

GeneDx
Classification: Benign. Last evaluated: 2015-03-03. Review status: criteria provided, single submitter. Criteria: GeneDx Variant Classification Process June 2021. Collection method: clinical testing. Allele origin: germline. Affected: yes.

Laboratory for Molecular Medicine, Mass General Brigham Personalized Medicine
Classification: Benign. Last evaluated: 2012-05-07. Review status: criteria provided, single submitter. Criteria: LMM Criteria. Collection method: clinical testing. Allele origin: germline. Observed: 22 variant alleles.
Comment: "Phe485Phe in Exon 11 of KCNQ1: This variant is not expected to have clinical si gnificance because it does not alter an amino acid residue, is not located withi n the splice consensus sequence, and has been identified in 4.6% (171/3738) of A frican American chromosomes from a broad population by the NHLBI Exome Sequencin g Project (dbSNP rs17215465)."

Breakthrough Genomics
Classification: Likely benign. Review status: criteria provided, single submitter. Criteria: ACMG Guidelines, 2015. Collection method: not provided. Allele origin: germline. Inheritance: Autosomal recessive inheritance. Affected: yes.

Clinical Genetics, Academic Medical Center
Classification: Benign. Review status: no assertion criteria provided. Collection method: clinical testing. Allele origin: germline. Affected: yes. Study: VKGL Data-share Consensus. Not counted in ClinVar's aggregate classification.

Joint Genome Diagnostic Labs from Nijmegen and Maastricht, Radboudumc and MUMC+
Classification: Benign. Review status: no assertion criteria provided. Collection method: clinical testing. Allele origin: germline. Affected: yes. Study: VKGL Data-share Consensus. Not counted in ClinVar's aggregate classification.

Literature cited by the submitters: PubMed 18752142 (cited by Women's Health and Genetics/Laboratory Corporation of America, LabCorp).